The following is an entry in ClinVar:

NM_000051.4(ATM):c.3202T>C (p.Phe1068Leu)

Gene: ATM (ATM serine/threonine kinase; plus strand). Cytogenetic location: 11q22.3.
Variant type: single nucleotide variant.
Coding change: c.3202T>C on transcript NM_000051.4 (MANE Select); coding-DNA position 3202, T replaced by C.
Protein change: p.Phe1068Leu; replaces phenylalanine 1068 with leucine.
Molecular consequence: missense variant.
Genome position (GRCh38, 1-based): chr11:108,272,770, T>C. VCF-style: chr11-108272770-T-C. GRCh37 (hg19) VCF-style: chr11-108143497-T-C.
Other names: c.3202T>C, p.Phe1068Leu (NM_001351834.2); short protein forms F1068L.
Identifiers: ClinVar variation 823182 (VCV000823182.14), dbSNP rs1255200743, ClinGen allele CA382515761.

ClinVar aggregate classification (germline): Uncertain significance. Review status: criteria provided, multiple submitters, no conflicts (2 of 4 stars). 3 submissions from 3 submitters: Uncertain significance (3). Last evaluated 2025-01-12.

Conditions:
Hereditary cancer-predisposing syndrome. Also called: Hereditary Cancer Syndrome; Neoplastic Syndromes, Hereditary; Hereditary neoplastic syndrome; Tumor predisposition. Identifiers: Orphanet 140162, MedGen C0027672, MeSH D009386, MONDO:0015356.
Ataxia-telangiectasia syndrome (AT). Also called: Cerebello-oculocutaneous telangiectasia; Immunodeficiency with ataxia telangiectasia; Ataxia-telangiectasia, complementation group E; Ataxia-telangiectasia, complementation group D; AT, COMPLEMENTATION GROUP C; ATAXIA-TELANGIECTASIA, COMPLEMENTATION GROUP A. Identifiers: Orphanet 100, MedGen C0004135, MONDO:0008840, OMIM 208900.

Allele frequency attached by ClinVar (database versions not stated): TOPMed 0.00001.

Submissions (3):

Labcorp Genetics (formerly Invitae), Labcorp
Classification: Uncertain significance for Ataxia-telangiectasia syndrome. Last evaluated: 2025-01-12. Review status: criteria provided, single submitter. Criteria: Invitae Variant Classification Sherloc (09022015). Collection method: clinical testing. Allele origin: germline.
Comment: This sequence change replaces phenylalanine, which is neutral and non-polar, with leucine, which is neutral and non-polar, at codon 1068 of the ATM protein (p.Phe1068Leu). This variant is not present in population databases (gnomAD no frequency). This variant has not been reported in the literature in individuals affected with ATM-related conditions. ClinVar contains an entry for this variant (Variation ID: 823182). Invitae Evidence Modeling of protein sequence and biophysical properties (such as structural, functional, and spatial information, amino acid conservation, physicochemical variation, residue mobility, and thermodynamic stability) indicates that this missense variant is not expected to disrupt ATM protein function with a negative predictive value of 95%. In summary, the available evidence is currently insufficient to determine the role of this variant in disease. Therefore, it has been classified as a Variant of Uncertain Significance.

Color Diagnostics, LLC DBA Color Health
Classification: Uncertain significance for Hereditary cancer-predisposing syndrome. Last evaluated: 2024-07-15. Review status: criteria provided, single submitter. Criteria: ACMG Guidelines, 2015. Collection method: clinical testing. Allele origin: germline.
Comment: This missense variant replaces phenylalanine with leucine at codon 1068 of the ATM protein. Computational prediction tool suggests that this variant may not impact protein structure and function. To our knowledge, functional studies have not been performed for this variant. In a large international case-control study, this variant was reported in 1/60466 breast cancer cases and absent in 53461 controls (PMID: 33471991). This variant has not been identified in the general population by the Genome Aggregation Database (gnomAD). The available evidence is insufficient to determine the role of this variant in disease conclusively. Therefore, this variant is classified as a Variant of Uncertain Significance.

Ambry Genetics
Classification: Uncertain significance for Hereditary cancer-predisposing syndrome. Last evaluated: 2018-02-01. Review status: criteria provided, single submitter. Criteria: Ambry Variant Classification Scheme 2023. Collection method: clinical testing. Allele origin: germline.
Comment: The p.F1068L variant (also known as c.3202T>C), located in coding exon 21 of the ATM gene, results from a T to C substitution at nucleotide position 3202. The phenylalanine at codon 1068 is replaced by leucine, an amino acid with highly similar properties. This amino acid position is not well conserved in available vertebrate species, and leucine is the reference amino acid in several other vertebrate species. In addition, this alteration is predicted to be tolerated by in silico analysis. Since supporting evidence is limited at this time, the clinical significance of this alteration remains unclear.

Literature cited by the submitters: PubMed 33471991 (cited by Color Diagnostics, LLC DBA Color Health).